The following is an entry in ClinVar:

ClinVar aggregate classification (germline): Uncertain significance. Review status: criteria provided, multiple submitters, no conflicts (2 of 4 stars). 3 submissions from 3 submitters: Uncertain significance (3). Last evaluated 2025-03-27.

Conditions:
Hereditary cancer-predisposing syndrome. Also called: Tumor predisposition; Hereditary Cancer Syndrome; Hereditary neoplastic syndrome; Neoplastic Syndromes, Hereditary. Identifiers: Orphanet 140162, MedGen C0027672, MeSH D009386, MONDO:0015356.
Hereditary pheochromocytoma and paraganglioma. Also called: Hereditary paragangliomas and pheochromocytomas; Hereditary Paraganglioma-Pheochromocytoma Syndromes; Hereditary pheochromocytoma-paraganglioma. Identifiers: Orphanet 29072, MedGen C4274332, MONDO:0017366.

gnomAD v4.1: 1 of 1,614,192 alleles (0.000062%); highest among the groups gnomAD compares: Non-Finnish European, 0.000085%; no homozygotes.

Submissions (3):

Ambry Genetics
Classification: Uncertain significance for Hereditary cancer-predisposing syndrome. Last evaluated: 2025-03-27. Review status: criteria provided, single submitter. Criteria: Ambry Variant Classification Scheme 2023. Collection method: clinical testing. Allele origin: germline.
Comment: The p.S8L variant (also known as c.23C>T), located in coding exon 1 of the SDHAF2 gene, results from a C to T substitution at nucleotide position 23. The serine at codon 8 is replaced by leucine, an amino acid with dissimilar properties. This amino acid position is poorly conserved in available vertebrate species. In addition, this alteration is predicted to be tolerated by in silico analysis. Since supporting evidence is limited at this time, the clinical significance of this alteration remains unclear.

All of Us Research Program, National Institutes of Health
Classification: Uncertain significance for Hereditary pheochromocytoma and paraganglioma. Last evaluated: 2023-12-13. Review status: criteria provided, single submitter. Criteria: ACMG Guidelines, 2015. Collection method: clinical testing. Allele origin: germline. Inheritance: Autosomal dominant inheritance. Observed: 1 variant allele, 1 heterozygote.
Comment: This missense variant replaces serine with leucine at codon 8 of the SDHAF2 protein. Computational prediction suggests that this variant may not impact protein structure and function (internally defined REVEL score threshold <= 0.5, PMID: 27666373). To our knowledge, functional studies have not been reported for this variant. This variant has not been reported in individuals affected with SDHAF2-related disorders in the literature. This variant has not been identified in the general population by the Genome Aggregation Database (gnomAD). The available evidence is insufficient to determine the role of this variant in disease conclusively. Therefore, this variant is classified as a Variant of Uncertain Significance.

This study involves interpretation of variants in research participants for the purpose of population health screening. Participant phenotype was not available at the time of variant classification. Additional details can be found in publication PMID: 35346344, PMCID: PMC8962531

Labcorp Genetics (formerly Invitae), Labcorp
Classification: Uncertain significance for Hereditary pheochromocytoma and paraganglioma. Last evaluated: 2023-12-12. Review status: criteria provided, single submitter. Criteria: Invitae Variant Classification Sherloc (09022015). Collection method: clinical testing. Allele origin: germline.
Comment: This sequence change replaces serine, which is neutral and polar, with leucine, which is neutral and non-polar, at codon 8 of the SDHAF2 protein (p.Ser8Leu). This variant is not present in population databases (gnomAD no frequency). This variant has not been reported in the literature in individuals affected with SDHAF2-related conditions. ClinVar contains an entry for this variant (Variation ID: 1372881). An algorithm developed to predict the effect of missense changes on protein structure and function (PolyPhen-2) suggests that this variant is likely to be tolerated. In summary, the available evidence is currently insufficient to determine the role of this variant in disease. Therefore, it has been classified as a Variant of Uncertain Significance.

NM_017841.4(SDHAF2):c.23C>T (p.Ser8Leu)

Gene: SDHAF2 (succinate dehydrogenase complex assembly factor 2; plus strand). Cytogenetic location: 11q12.2.
Variant type: single nucleotide variant.
Coding change: c.23C>T on transcript NM_017841.4 (MANE Select); coding-DNA position 23, C replaced by T.
Protein change: p.Ser8Leu; replaces serine 8 with leucine.
Molecular consequence: missense variant.
Genome position (GRCh38, 1-based): chr11:61,430,169, C>T. VCF-style: chr11-61430169-C-T. GRCh37 (hg19) VCF-style: chr11-61197641-C-T.
Other names: short protein forms S8L.
Identifiers: ClinVar variation 1372881 (VCV001372881.12), dbSNP rs1254052531, ClinGen allele CA380680187.